The following is an entry in ClinVar:

NM_000407.5(GP1BB):c.176A>C (p.Glu59Ala)

Genes: GP1BB (glycoprotein Ib platelet subunit beta; plus strand), SEPT5-GP1BB (SEPT5-GP1BB readthrough; plus strand). Cytogenetic location: 22q11.21.
Variant type: single nucleotide variant.
Coding change: c.176A>C on transcript NM_000407.5 (MANE Select); coding-DNA position 176, A replaced by C.
Protein change: p.Glu59Ala; replaces glutamic acid 59 with alanine.
Molecular consequence: missense variant. On other transcripts: non-coding transcript variant (2).
Genome position (GRCh38, 1-based): chr22:19,724,019, A>C. VCF-style: chr22-19724019-A-C. GRCh37 (hg19) VCF-style: chr22-19711542-A-C.
Other names: NM_000407.5:c.176A>C; short protein forms E59A.
Identifiers: ClinVar variation 3775059 (VCV003775059.1).
Genomic context (GRCh38, chr22:19,724,019, plus strand): 5'-GCGGGCGCCGCGGGCTGACTTGGGCCTCGCTGCCGACCGCCTTCCCTGTCGACACAACCG[A>C]GCTGGTGCTGACCGGCAACAACCTGACGGCGCTGCCGCCGGGGCTGCTGGACGCGCTGCC-3'
Protein context (NP_000398.1, residues 49-69): LPTAFPVDTT[Glu59Ala]LVLTGNNLTA

ClinVar aggregate classification (germline): Uncertain significance (3 of 4 stars; one submission).

Conditions:
Bernard Soulier syndrome (BSS). Also called: GLYCOPROTEIN Ib, PLATELET, DEFICIENCY OF; PLATELET GLYCOPROTEIN Ib DEFICIENCY; VON WILLEBRAND FACTOR RECEPTOR DEFICIENCY; Giant platelet syndrome; Hemorrhagiparous thrombocytic dystrophy; Giant platelet disease. Identifiers: Orphanet 274, MedGen C0005129, MeSH D001606, MONDO:0009276, OMIM 231200.

Submission:

ClinGen Platelet Disorders Variant Curation Expert Panel, ClinGen
Classification: Uncertain significance for Bernard Soulier syndrome. Last evaluated: 2025-02-11. Review status: reviewed by expert panel. Criteria: ClinGen Platelet ACMG Specifications GP1BB V1.0.0. Collection method: curation. Allele origin: germline. Inheritance: Autosomal recessive inheritance.
Comment: The c.176A>C variant in GP1BB is a missense variant predicted to cause substitution of Glutamic acid by Alanine at amino acid (p.Glu59Ala). This variant is absent from gnomAD v4.1 (PM2_Supporting). However, there was normal platelet aggregation and ATP release, inconsistent with BSS. Additionally, there was normal platelet glycoprotein testing with GPIIb of 143%, GPIIIa of 134%, GPIX of 80% and GPIb-alpha of 110%. No additional patients carrying this variant were found in ClinVar or in the literature. In summary, this variant meets the criteria to be classified as Uncertain significance - insufficient evidence for autosomal recessive Bernard-Soulier syndrome based on the ACMG/AMP criteria applied, as specified by the ClinGen PD VCEP: PM2_supporting.